The following is an entry in ClinVar:

ClinVar aggregate classification (germline): Uncertain significance. Review status: criteria provided, multiple submitters, no conflicts (2 of 4 stars). 3 submissions from 3 submitters: Uncertain significance (2). 1 of the submissions does not count toward it. Last evaluated 2025-01-17.

Conditions:
Hereditary breast ovarian cancer syndrome. Also called: Hereditary breast and ovarian cancer syndrome; Hereditary breast and ovarian cancer; Hereditary breast and ovarian cancer syndrome (HBOC); Breast and ovarian cancer; Hereditary breast and/or ovarian cancer syndrome; BRCA1- and BRCA2-Associated Hereditary Breast and Ovarian Cancer. Identifiers: Orphanet 145, MedGen C0677776, MeSH D061325, MONDO:0003582. Disease mechanism: loss of function.
Hereditary cancer-predisposing syndrome. Also called: Neoplastic Syndromes, Hereditary; Tumor predisposition; Hereditary neoplastic syndrome; Hereditary Cancer Syndrome. Identifiers: Orphanet 140162, MedGen C0027672, MeSH D009386, MONDO:0015356.
Breast-ovarian cancer, familial, susceptibility to, 2 (BROVCA2). Also called: BRCA2 Hereditary Breast and Ovarian Cancer. Identifiers: Orphanet 145, MedGen C2675520, MONDO:0012933, OMIM 612555. Disease mechanism: loss of function.

Allele frequency attached by ClinVar (database versions not stated): gnomAD exomes below 0.00001; ExAC 0.00001.
gnomAD v4.1: 1 of 1,614,166 alleles (0.000062%); highest among the groups gnomAD compares: Non-Finnish European, 0.000085%; no homozygotes.

Submissions (3):

Ambry Genetics
Classification: Uncertain significance for Hereditary cancer-predisposing syndrome. Last evaluated: 2025-01-17. Review status: criteria provided, single submitter. Criteria: Ambry Variant Classification Scheme 2023. Collection method: clinical testing. Allele origin: germline.
Comment: The p.N2843S variant (also known as c.8528A>G), located in coding exon 19 of the BRCA2 gene, results from an A to G substitution at nucleotide position 8528. The asparagine at codon 2843 is replaced by serine, an amino acid with highly similar properties. This amino acid position is not conserved and serine is a reference amino acid in several species. In addition, this alteration is predicted to be tolerated by in silico analysis. Based on the available evidence, the clinical significance of this variant remains unclear.

Labcorp Genetics (formerly Invitae), Labcorp
Classification: Uncertain significance for Hereditary breast ovarian cancer syndrome. Last evaluated: 2020-02-03. Review status: criteria provided, single submitter. Criteria: Invitae Variant Classification Sherloc (09022015). Collection method: clinical testing. Allele origin: germline.
Comment: Algorithms developed to predict the effect of sequence changes on RNA splicing suggest that this variant may create or strengthen a splice site, but this prediction has not been confirmed by published transcriptional studies. In summary, the available evidence is currently insufficient to determine the role of this variant in disease. Therefore, it has been classified as a Variant of Uncertain Significance. Algorithms developed to predict the effect of missense changes on protein structure and function output the following: SIFT: "Tolerated"; PolyPhen-2: "Benign"; Align-GVGD: "Class C0". The serine amino acid residue is found in multiple mammalian species, suggesting that this missense change does not adversely affect protein function. These predictions have not been confirmed by published functional studies and their clinical significance is uncertain. This variant has been reported in individuals in the Leiden Open-source Variation Database (PMID: 21520333). ClinVar contains an entry for this variant (Variation ID: 52612). This variant is present in population databases (rs80359107, ExAC 0.001%). This sequence change replaces asparagine with serine at codon 2843 of the BRCA2 protein (p.Asn2843Ser). The asparagine residue is highly conserved and there is a small physicochemical difference between asparagine and serine.

Breast Cancer Information Core (BIC) (BRCA2)
Classification: Uncertain significance for Breast-ovarian cancer, familial 2. Last evaluated: 2004-03-30. Review status: no assertion criteria provided. Collection method: clinical testing. Allele origin: germline. Affected: yes. Observed: 1 variant allele. Not counted in ClinVar's aggregate classification.

Literature cited by the submitters: PubMed 21520333 (cited by Labcorp Genetics (formerly Invitae), Labcorp).

NM_000059.4(BRCA2):c.8528A>G (p.Asn2843Ser)

Gene: BRCA2 (BRCA2 DNA repair associated; plus strand). Cytogenetic location: 13q13.1.
Variant type: single nucleotide variant.
Coding change: c.8528A>G on transcript NM_000059.4 (MANE Select); coding-DNA position 8528, A replaced by G.
Protein change: p.Asn2843Ser; replaces asparagine 2843 with serine.
Molecular consequence: missense variant.
Genome position (GRCh38, 1-based): chr13:32,370,996, A>G. VCF-style: chr13-32370996-A-G. GRCh37 (hg19) VCF-style: chr13-32945133-A-G.
Other names: short protein forms N2843S.
Identifiers: ClinVar variation 52612 (VCV000052612.12), dbSNP rs80359107, ClinGen allele CA025694.